The following is an entry in ClinVar:

NM_015338.6(ASXL1):c.3754G>A (p.Asp1252Asn)

Gene: ASXL1 (ASXL transcriptional regulator 1; plus strand). Cytogenetic location: 20q11.21.
Variant type: single nucleotide variant.
Coding change: c.3754G>A on transcript NM_015338.6 (MANE Select); coding-DNA position 3754, G replaced by A.
Protein change: p.Asp1252Asn; replaces aspartic acid 1252 with asparagine.
Molecular consequence: missense variant.
Genome position (GRCh38, 1-based): chr20:32,436,466, G>A. VCF-style: chr20-32436466-G-A. GRCh37 (hg19) VCF-style: chr20-31024269-G-A.
Other names: c.3571G>A, p.Asp1191Asn (NM_001363734.1); short protein forms D1191N, D1252N.
Identifiers: ClinVar variation 4587638 (VCV004587638.1).

ClinVar aggregate classification (germline): Uncertain significance (1 of 4 stars; one submission).

Conditions:
Inborn genetic diseases. Identifiers: MedGen C0950123, MeSH D030342.

gnomAD v4.1: 1 of 1,614,114 alleles (0.000062%); highest among the groups gnomAD compares: Admixed American, 0.0017%; no homozygotes.

Submission:

Ambry Genetics
Classification: Uncertain significance for Inborn genetic diseases. Last evaluated: 2025-10-05. Review status: criteria provided, single submitter. Criteria: Ambry Variant Classification Scheme 2023. Collection method: clinical testing. Allele origin: germline.
Comment: The p.D1252N variant (also known as c.3754G>A), located in coding exon 13 of the ASXL1 gene, results from a G to A substitution at nucleotide position 3754. The aspartic acid at codon 1252 is replaced by asparagine, an amino acid with highly similar properties. This amino acid position is conserved. In addition, this alteration is predicted to be tolerated by in silico analysis. Based on the available evidence, the clinical significance of this variant remains unclear.